The following is an entry in ClinVar:

ClinVar aggregate classification (germline): Uncertain significance (1 of 4 stars; one submission).

Allele frequency attached by ClinVar (database versions not stated): gnomAD 0.00003 and 0.00004; gnomAD exomes 0.00003 and 0.00007; TOPMed 0.00005; ExAC 0.00014.

Submission:

Labcorp Genetics (formerly Invitae), Labcorp
Classification: Uncertain significance. Last evaluated: 2025-08-18. Review status: criteria provided, single submitter. Criteria: Invitae Variant Classification Sherloc (09022015). Collection method: clinical testing. Allele origin: germline.
Comment: This sequence change replaces arginine, which is basic and polar, with cysteine, which is neutral and slightly polar, at codon 390 of the IHH protein (p.Arg390Cys). This variant is present in population databases (rs774000427, gnomAD 0.04%), including at least one homozygous and/or hemizygous individual. This missense change has been observed in individual(s) with short stature (PMID: 36373817). ClinVar contains an entry for this variant (Variation ID: 1406109). Invitae Evidence Modeling of protein sequence and biophysical properties (such as structural, functional, and spatial information, amino acid conservation, physicochemical variation, residue mobility, and thermodynamic stability) has been performed for this missense variant. However, the output from this modeling did not meet the statistical confidence thresholds required to predict the impact of this variant on IHH protein function. In summary, the available evidence is currently insufficient to determine the role of this variant in disease. Therefore, it has been classified as a Variant of Uncertain Significance.

Literature cited by the submitters: PubMed 36373817.

NM_002181.4(IHH):c.1168C>T (p.Arg390Cys)

Gene: IHH (Indian hedgehog signaling molecule; minus strand). Cytogenetic location: 2q35.
Variant type: single nucleotide variant.
Coding change: c.1168C>T on transcript NM_002181.4 (MANE Select); coding-DNA position 1168, C replaced by T.
Protein change: p.Arg390Cys; replaces arginine 390 with cysteine.
Molecular consequence: missense variant.
Genome position (GRCh38, 1-based): chr2:219,055,275, G>A on the plus strand (C>T on the coding strand, the complement: IHH is on the minus strand). VCF-style: chr2-219055275-G-A. GRCh37 (hg19) VCF-style: chr2-219919997-G-A.
Other names: short protein forms R390C.
Identifiers: ClinVar variation 1406109 (VCV001406109.8), dbSNP rs774000427, ClinGen allele CA2116521.